The following is an entry in ClinVar:

NM_002473.6(MYH9):c.4302G>C (p.Gln1434His)

Gene: MYH9 (myosin heavy chain 9; minus strand). Cytogenetic location: 22q12.3.
Variant type: single nucleotide variant.
Coding change: c.4302G>C on transcript NM_002473.6 (MANE Select); coding-DNA position 4302, G replaced by C.
Protein change: p.Gln1434His; replaces glutamine 1434 with histidine.
Molecular consequence: missense variant.
Genome position (GRCh38, 1-based): chr22:36,292,028, C>G on the plus strand (G>C on the coding strand, the complement: MYH9 is on the minus strand). VCF-style: chr22-36292028-C-G. GRCh37 (hg19) VCF-style: chr22-36688074-C-G.
Other names: short protein forms Q1434H.
Identifiers: ClinVar variation 623101 (VCV000623101.9), dbSNP rs143979758, ClinGen allele CA323590351.

ClinVar aggregate classification (germline): Conflicting classifications of pathogenicity. Review status: criteria provided, conflicting classifications (1 of 4 stars). 3 submissions from 3 submitters: Uncertain significance (2); Likely benign (1). Last evaluated 2025-06-12.

Conditions:
Macrothrombocytopenia and granulocyte inclusions with or without nephritis or sensorineural hearing loss (MATINS). Also called: DOHLE LEUKOCYTE INCLUSIONS WITH GIANT PLATELETS; BLEEDING DISORDER, PLATELET-TYPE, 6; MYH9-Related Disease (MYH9-RD); MACROTHROMBOCYTOPENIA WITH LEUKOCYTE INCLUSIONS; MAY-HEGGLIN ANOMALY; SEBASTIAN PLATELET SYNDROME. Identifiers: Orphanet 182050, MedGen C5200934, MONDO:0015912, OMIM 155100.
Autosomal dominant nonsyndromic hearing loss 17. Also called: Autosomal dominant nonsyndromic deafness 17; Deafness, autosomal dominant 17. Identifiers: Orphanet 90635, MedGen C1863659, MONDO:0011350, OMIM 603622.
MYH9-related disorder. Identifiers: MedGen C1854520.

Allele frequency attached by ClinVar (database versions not stated): gnomAD exomes below 0.00001; gnomAD 0.00002; TOPMed 0.00005; ESP Exome Variant Server 0.00008.
gnomAD v4.1: 4 of 1,614,112 alleles (0.00025%); highest among the groups gnomAD compares: African/African-American, 0.0053%; no homozygotes.

Submissions (3):

Labcorp Genetics (formerly Invitae), Labcorp
Classification: Likely benign. Last evaluated: 2025-06-12. Review status: criteria provided, single submitter. Criteria: Invitae Variant Classification Sherloc (09022015). Collection method: clinical testing. Allele origin: germline.

Fulgent Genetics
Classification: Uncertain significance for Macrothrombocytopenia and granulocyte inclusions with or without nephritis or sensorineural hearing loss; Autosomal dominant nonsyndromic hearing loss 17. Last evaluated: 2021-09-06. Review status: criteria provided, single submitter. Criteria: ACMG Guidelines, 2015. Collection method: clinical testing. Allele origin: unknown.

NIHR Bioresource Rare Diseases, University of Cambridge
Classification: Uncertain significance for MYH9-related disorder. Last evaluated: 2018-12-12. Review status: criteria provided, single submitter. Criteria: ACMG Guidelines, 2015. Collection method: research. Allele origin: unknown. Inheritance: Autosomal dominant inheritance. Affected: yes. Observed: 1 heterozygote.
Comment: PM2